The following is an entry in ClinVar:

ClinVar aggregate classification (germline): Conflicting classifications of pathogenicity. Review status: criteria provided, conflicting classifications (1 of 4 stars). 3 submissions from 3 submitters: Uncertain significance (2); Likely benign (1). Last evaluated 2025-05-19.

Conditions:
Inborn genetic diseases. Identifiers: MedGen C0950123, MeSH D030342.
Retinal dystrophy. Also called: Inherited retinal dystrophy. Identifiers: Orphanet 71862, MedGen C0854723, MeSH D058499, MONDO:0019118, HP:0000556.

Allele frequency attached by ClinVar (database versions not stated): gnomAD 0.00001; gnomAD exomes 0.00001 and 0.00002; TOPMed 0.00001; ExAC 0.00002.
gnomAD v4.1: 9 of 1,613,900 alleles (0.00056%); highest among the groups gnomAD compares: East Asian, 0.013%; no homozygotes.

Submissions (3):

Ambry Genetics
Classification: Uncertain significance for Inborn genetic diseases. Last evaluated: 2025-05-19. Review status: criteria provided, single submitter. Criteria: Ambry Variant Classification Scheme 2023. Collection method: clinical testing. Allele origin: germline.

Dept Of Ophthalmology, Nagoya University
Classification: Likely benign for Retinal dystrophy. Last evaluated: 2023-10-01. Review status: criteria provided, single submitter. Criteria: Submitter's publication. Collection method: research. Allele origin: germline. Affected: yes.

Labcorp Genetics (formerly Invitae), Labcorp
Classification: Uncertain significance. Last evaluated: 2022-06-27. Review status: criteria provided, single submitter. Criteria: Invitae Variant Classification Sherloc (09022015). Collection method: clinical testing. Allele origin: germline.
Comment: In summary, the available evidence is currently insufficient to determine the role of this variant in disease. Therefore, it has been classified as a Variant of Uncertain Significance. Algorithms developed to predict the effect of missense changes on protein structure and function output the following: SIFT: "Tolerated"; PolyPhen-2: "Benign"; Align-GVGD: "Class C0". The glutamine amino acid residue is found in multiple mammalian species, which suggests that this missense change does not adversely affect protein function. ClinVar contains an entry for this variant (Variation ID: 942683). This variant has not been reported in the literature in individuals affected with TOPORS-related conditions. This variant is present in population databases (rs772045314, gnomAD 0.03%). This sequence change replaces arginine, which is basic and polar, with glutamine, which is neutral and polar, at codon 564 of the TOPORS protein (p.Arg564Gln).

NM_005802.5(TOPORS):c.1691G>A (p.Arg564Gln)

Gene: TOPORS (TOP1 binding arginine/serine rich protein, E3 ubiquitin ligase; minus strand). Cytogenetic location: 9p21.1.
Variant type: single nucleotide variant.
Coding change: c.1691G>A on transcript NM_005802.5 (MANE Select); coding-DNA position 1691, G replaced by A.
Protein change: p.Arg564Gln; replaces arginine 564 with glutamine.
Molecular consequence: missense variant.
Genome position (GRCh38, 1-based): chr9:32,542,834, C>T on the plus strand (G>A on the coding strand, the complement: TOPORS is on the minus strand). VCF-style: chr9-32542834-C-T. GRCh37 (hg19) VCF-style: chr9-32542832-C-T.
Other names: c.1496G>A, p.Arg499Gln (NM_001195622.2); short protein forms R564Q, R499Q.
Identifiers: ClinVar variation 942683 (VCV000942683.13), dbSNP rs772045314, ClinGen allele CA5020491.